The following is an entry in ClinVar:

NM_032043.3(BRIP1):c.2820G>A (p.Lys940=)

Gene: BRIP1 (BRCA1 interacting DNA helicase 1; minus strand). Cytogenetic location: 17q23.2.
Variant type: single nucleotide variant.
Coding change: c.2820G>A on transcript NM_032043.3 (MANE Select); coding-DNA position 2820, G replaced by A.
Protein change: p.Lys940=; no amino-acid change (lysine 940 retained).
Molecular consequence: synonymous variant.
Genome position (GRCh38, 1-based): chr17:61,685,921, C>T on the plus strand (G>A on the coding strand, the complement: BRIP1 is on the minus strand). VCF-style: chr17-61685921-C-T. GRCh37 (hg19) VCF-style: chr17-59763282-C-T.
Identifiers: ClinVar variation 184310 (VCV000184310.19), dbSNP rs786201396, ClinGen allele CA188564.

ClinVar aggregate classification (germline): Benign/Likely benign. Review status: criteria provided, multiple submitters, no conflicts (2 of 4 stars). 4 submissions from 4 submitters: Benign (1); Likely benign (3). Last evaluated 2025-11-19.

Conditions:
Hereditary cancer-predisposing syndrome. Also called: Tumor predisposition; Hereditary Cancer Syndrome; Hereditary neoplastic syndrome; Neoplastic Syndromes, Hereditary. Identifiers: Orphanet 140162, MedGen C0027672, MeSH D009386, MONDO:0015356.
Familial cancer of breast. Also called: BREAST CANCER, FAMILIAL; hereditary breast carcinoma; Hereditary breast cancer. Identifiers: Orphanet 227535, MedGen C0346153, MONDO:0016419, OMIM 114480. Disease mechanism: loss of function.
Fanconi anemia complementation group J. Also called: BRIP1-Related Fanconi Anemia. Identifiers: Orphanet 84, MedGen C1836860, MONDO:0012187, OMIM 609054.

Allele frequency attached by ClinVar (database versions not stated): gnomAD exomes below 0.00001; gnomAD 0.00001.
gnomAD v4.1: 3 of 1,613,944 alleles (0.00019%); highest among the groups gnomAD compares: Admixed American, 0.0017%; no homozygotes.

Submissions (4):

Labcorp Genetics (formerly Invitae), Labcorp
Classification: Likely benign for Familial cancer of breast; Fanconi anemia complementation group J. Last evaluated: 2025-11-19. Review status: criteria provided, single submitter. Criteria: Invitae Variant Classification Sherloc (09022015). Collection method: clinical testing. Allele origin: germline.

Myriad Genetics, Inc.
Classification: Benign for Familial cancer of breast. Last evaluated: 2024-09-06. Review status: criteria provided, single submitter. Criteria: Myriad Autosomal Dominant, Autosomal Recessive and X-Linked Classification Criteria (2023). Collection method: clinical testing. Allele origin: unknown.
Comment: This variant is considered benign. This variant is a silent/synonymous amino acid change and it is not expected to impact splicing.

GeneDx
Classification: Likely benign. Last evaluated: 2019-12-04. Review status: criteria provided, single submitter. Criteria: GeneDx Variant Classification Process June 2021. Collection method: clinical testing. Allele origin: germline. Affected: yes.

Ambry Genetics
Classification: Likely benign for Hereditary cancer-predisposing syndrome. Last evaluated: 2017-08-30. Review status: criteria provided, single submitter. Criteria: Ambry Variant Classification Scheme 2023. Collection method: clinical testing. Allele origin: germline.